The following is an entry in ClinVar:

ClinVar aggregate classification (germline): Uncertain significance. Review status: criteria provided, multiple submitters, no conflicts (2 of 4 stars). 6 submissions from 6 submitters: Uncertain significance (5). 1 of the submissions does not count toward it. Last evaluated 2025-12-09.

Conditions:
FBLN5-related disorder. Also called: FBLN5-related condition.
Inborn genetic diseases. Identifiers: MedGen C0950123, MeSH D030342.

gnomAD v4.1: 55 of 1,613,316 alleles (0.0034%); highest among the groups gnomAD compares: Admixed American, 0.01%; 1 homozygote.

Submissions (6):

Ambry Genetics
Classification: Uncertain significance for Inborn genetic diseases. Last evaluated: 2025-12-09. Review status: criteria provided, single submitter. Criteria: Ambry Variant Classification Scheme 2023. Collection method: clinical testing. Allele origin: germline.

Labcorp Genetics (formerly Invitae), Labcorp
Classification: Uncertain significance. Last evaluated: 2024-12-16. Review status: criteria provided, single submitter. Criteria: Invitae Variant Classification Sherloc (09022015). Collection method: clinical testing. Allele origin: germline.
Comment: This sequence change replaces valine, which is neutral and non-polar, with methionine, which is neutral and non-polar, at codon 218 of the FBLN5 protein (p.Val218Met). This variant is present in population databases (rs774458799, gnomAD 0.01%). This variant has not been reported in the literature in individuals affected with FBLN5-related conditions. ClinVar contains an entry for this variant (Variation ID: 1163082). Invitae Evidence Modeling of protein sequence and biophysical properties (such as structural, functional, and spatial information, amino acid conservation, physicochemical variation, residue mobility, and thermodynamic stability) indicates that this missense variant is not expected to disrupt FBLN5 protein function with a negative predictive value of 80%. In summary, the available evidence is currently insufficient to determine the role of this variant in disease. Therefore, it has been classified as a Variant of Uncertain Significance.

Blueprint Genetics
Classification: Uncertain significance. Last evaluated: 2024-07-29. Review status: criteria provided, single submitter. Criteria: ACMG Guidelines, 2015. Collection method: clinical testing. Allele origin: germline.

GeneDx
Classification: Uncertain significance. Last evaluated: 2020-07-08. Review status: criteria provided, single submitter. Criteria: GeneDx Variant Classification Process June 2021. Collection method: clinical testing. Allele origin: germline. Affected: yes.
Comment: Has not been previously published as pathogenic or benign to our knowledge; In silico analysis supports that this missense variant does not alter protein structure/function

Mayo Clinic Laboratories, Mayo Clinic
Classification: Uncertain significance. Last evaluated: 2020-04-17. Review status: criteria provided, single submitter. Criteria: ACMG Guidelines, 2015. Collection method: clinical testing. Allele origin: germline. Observed: 1 variant allele.

PreventionGenetics, part of Exact Sciences
Classification: Uncertain significance for FBLN5-related condition. Last evaluated: 2024-06-18. Review status: no assertion criteria provided. Collection method: clinical testing. Allele origin: germline. Not counted in ClinVar's aggregate classification.
Comment: The FBLN5 c.652G>A variant is predicted to result in the amino acid substitution p.Val218Met. To our knowledge, this variant has not been reported in the literature. This variant is reported in 0.013% of alleles in individuals of South Asian descent in gnomAD. At this time, the clinical significance of this variant is uncertain due to the absence of conclusive functional and genetic evidence.

NM_006329.4(FBLN5):c.652G>A (p.Val218Met)

Gene: FBLN5 (fibulin 5; minus strand). Cytogenetic location: 14q32.12.
Variant type: single nucleotide variant.
Coding change: c.652G>A on transcript NM_006329.4 (MANE Select); coding-DNA position 652, G replaced by A.
Protein change: p.Val218Met; replaces valine 218 with methionine.
Molecular consequence: missense variant.
Genome position (GRCh38, 1-based): chr14:91,887,280, C>T on the plus strand (G>A on the coding strand, the complement: FBLN5 is on the minus strand). VCF-style: chr14-91887280-C-T. GRCh37 (hg19) VCF-style: chr14-92353624-C-T.
Other names: c.775G>A, p.Val259Met (NM_001384158.1); c.703G>A, p.Val235Met (NM_001384159.1); c.652G>A, p.Val218Met (NM_001384160.1); c.484G>A, p.Val162Met (NM_001384161.1, NM_001384162.1); short protein forms V162M, V218M, V235M, V259M.
Identifiers: ClinVar variation 1163082 (VCV001163082.16), dbSNP rs774458799, ClinGen allele CA7312768.